The following is an entry in ClinVar:

NM_003002.4(SDHD):c.186A>G (p.Ala62=)

Gene: SDHD (succinate dehydrogenase complex subunit D; plus strand). Cytogenetic location: 11q23.1.
Variant type: single nucleotide variant.
Coding change: c.186A>G on transcript NM_003002.4 (MANE Select); coding-DNA position 186, A replaced by G.
Protein change: p.Ala62=; no amino-acid change (alanine 62 retained).
Molecular consequence: synonymous variant. On other transcripts: non-coding transcript variant (1), intron variant (1).
Genome position (GRCh38, 1-based): chr11:112,088,883, A>G. VCF-style: chr11-112088883-A-G. GRCh37 (hg19) VCF-style: chr11-111959607-A-G.
Other names: c.186A>G (NM_003002.2); c.69A>G, p.Ala23= (NM_001276504.2); c.186A>G, p.Ala62= (NM_001276506.2); c.169+910A>G (NM_001276503.2).
Identifiers: ClinVar variation 3075309 (VCV003075309.5), dbSNP rs11547899, ClinGen allele CA228551641.

ClinVar aggregate classification (germline): Benign/Likely benign. Review status: criteria provided, multiple submitters, no conflicts (2 of 4 stars). 4 submissions from 4 submitters: Benign (1); Likely benign (3). Last evaluated 2025-03-17.

Conditions:
Hereditary cancer-predisposing syndrome. Also called: Hereditary neoplastic syndrome; Neoplastic Syndromes, Hereditary; Tumor predisposition; Hereditary Cancer Syndrome. Identifiers: Orphanet 140162, MedGen C0027672, MeSH D009386, MONDO:0015356.
Hereditary pheochromocytoma and paraganglioma. Also called: Hereditary pheochromocytoma-paraganglioma; Hereditary Paraganglioma-Pheochromocytoma Syndromes; Hereditary paragangliomas and pheochromocytomas. Identifiers: Orphanet 29072, MedGen C4274332, MONDO:0017366.
Pheochromocytoma. Also called: MAX-Related Hereditary Paraganglioma-Pheochromocytoma Syndrome. Identifiers: Orphanet 29072, MedGen C0031511, MONDO:0008233, OMIM 171300, HP:0002666.
Carney-Stratakis syndrome. Also called: PARAGANGLIOMA AND GASTROINTESTINAL STROMAL TUMOR. Identifiers: Orphanet 97286, MedGen C1847319, MONDO:0011740, OMIM 606864.
Cowden syndrome 3 (CWS3). Identifiers: Orphanet 201, MedGen CN166604, MONDO:0014045.
Paragangliomas with sensorineural hearing loss. Identifiers: MedGen C1868633.
Pheochromocytoma/paraganglioma syndrome 1. Also called: PARAGANGLIOMAS, FAMILIAL NONCHROMAFFIN, 1; PGL 1; Paragangliomas familial 1; PARAGANGLIOMATA; Paragangliomas 1; Glomus tumors familial 1. Identifiers: Orphanet 29072, MedGen C3494181, MONDO:0008192, OMIM 168000.

Allele frequency attached by ClinVar (database versions not stated): gnomAD exomes below 0.00001.
gnomAD v4.1: 2 of 1,612,406 alleles (0.00012%); highest among the groups gnomAD compares: South Asian, 0.0011%; no homozygotes.

Submissions (4):

Myriad Genetics, Inc.
Classification: Benign for Pheochromocytoma/paraganglioma syndrome 1. Last evaluated: 2025-03-17. Review status: criteria provided, single submitter. Criteria: Myriad Autosomal Dominant, Autosomal Recessive and X-Linked Classification Criteria (2023). Collection method: clinical testing. Allele origin: unknown.
Comment: This variant is considered benign. This variant is a silent/synonymous amino acid change and it is not expected to impact splicing.

Ambry Genetics
Classification: Likely benign for Hereditary cancer-predisposing syndrome. Last evaluated: 2024-10-24. Review status: criteria provided, single submitter. Criteria: Ambry Variant Classification Scheme 2023. Collection method: clinical testing. Allele origin: germline.

Labcorp Genetics (formerly Invitae), Labcorp
Classification: Likely benign for Carney-Stratakis syndrome; Paragangliomas with sensorineural hearing loss; Pheochromocytoma; Cowden syndrome 3. Last evaluated: 2024-05-21. Review status: criteria provided, single submitter. Criteria: Invitae Variant Classification Sherloc (09022015). Collection method: clinical testing. Allele origin: germline.

All of Us Research Program, National Institutes of Health
Classification: Likely benign for Hereditary pheochromocytoma and paraganglioma. Last evaluated: 2024-01-08. Review status: criteria provided, single submitter. Criteria: ACMG Guidelines, 2015. Collection method: clinical testing. Allele origin: germline. Inheritance: Autosomal dominant inheritance. Observed: 1 variant allele, 1 heterozygote.
Comment: This study involves interpretation of variants in research participants for the purpose of population health screening. Participant phenotype was not available at the time of variant classification. Additional details can be found in publication PMID: 35346344, PMCID: PMC8962531